The following is an entry in ClinVar:

NM_004380.3(CREBBP):c.1406C>G (p.Ser469Cys)

Gene: CREBBP (CREB binding lysine acetyltransferase; minus strand). Cytogenetic location: 16p13.3.
Variant type: single nucleotide variant.
Coding change: c.1406C>G on transcript NM_004380.3 (MANE Select); coding-DNA position 1406, C replaced by G.
Protein change: p.Ser469Cys; replaces serine 469 with cysteine.
Molecular consequence: missense variant.
Genome position (GRCh38, 1-based): chr16:3,782,851, G>C on the plus strand (C>G on the coding strand, the complement: CREBBP is on the minus strand). VCF-style: chr16-3782851-G-C. GRCh37 (hg19) VCF-style: chr16-3832852-G-C.
Other names: c.1292C>G, p.Ser431Cys (NM_001079846.1); short protein forms S469C, S431C.
Identifiers: ClinVar variation 2706860 (VCV002706860.3), dbSNP rs2548444077, ClinGen allele CA394557867.

ClinVar aggregate classification (germline): Uncertain significance (1 of 4 stars; one submission).

Conditions:
Rubinstein-Taybi syndrome (RSTS). Identifiers: Orphanet 783, MedGen C0035934, MONDO:0019188.

Submission:

Labcorp Genetics (formerly Invitae), Labcorp
Classification: Uncertain significance for Rubinstein-Taybi syndrome. Last evaluated: 2023-12-31. Review status: criteria provided, single submitter. Criteria: Invitae Variant Classification Sherloc (09022015). Collection method: clinical testing. Allele origin: germline.
Comment: This sequence change replaces serine, which is neutral and polar, with cysteine, which is neutral and slightly polar, at codon 469 of the CREBBP protein (p.Ser469Cys). This variant is not present in population databases (gnomAD no frequency). This variant has not been reported in the literature in individuals affected with CREBBP-related conditions. Advanced modeling of protein sequence and biophysical properties (such as structural, functional, and spatial information, amino acid conservation, physicochemical variation, residue mobility, and thermodynamic stability) performed at Invitae indicates that this missense variant is not expected to disrupt CREBBP protein function with a negative predictive value of 80%. In summary, the available evidence is currently insufficient to determine the role of this variant in disease. Therefore, it has been classified as a Variant of Uncertain Significance.